The following is an entry in ClinVar:

NM_007294.4(BRCA1):c.3489_3499del (p.Ser1164fs)

Genes: BRCA1 (BRCA1 DNA repair associated; minus strand), LOC126862571 (BRD4-independent group 4 enhancer GRCh37_chr17:41243136-41244335; plus strand). Cytogenetic location: 17q21.31.
Variant type: Deletion.
Coding change: c.3489_3499del on transcript NM_007294.4 (MANE Select); coding-DNA positions 3489 to 3499, 11 bases deleted (TAGTTTTGCTG).
Protein change: p.Ser1164fs; shifts the reading frame from serine 1164.
Molecular consequence: frameshift variant. On other transcripts: intron variant (135).
Genome position (GRCh38, 1-based): chr17:43,092,032-43,092,042, CAGCAAAACTA deleted on the plus strand (TAGTTTTGCTG on the coding strand, the reverse complement: BRCA1 is on the minus strand). VCF-style (leftmost placement, unchanged base first): chr17-43092031-TCAGCAAAACTA-T. GRCh37 (hg19) VCF-style: chr17-41244048-TCAGCAAAACTA-T.
Other names: 3608del11; c.3489_3499del, p.Ser1164fs (NM_001407616.1, NM_001407626.1, NM_001407652.1 and 30 more transcripts); c.3486_3496del, p.Ser1163fs (NM_001407627.1, NM_001407628.1, NM_001407629.1 and 22 more transcripts); c.3480_3490del, p.Ser1161fs (NM_001407646.1, NM_001407647.1); c.3366_3376del, p.Ser1123fs (NM_001407648.1, NM_001407664.1, NM_001407665.1 and 19 more transcripts); c.3363_3373del, p.Ser1122fs (NM_001407649.1, NM_001407670.1, NM_001407685.1 and 11 more transcripts); c.3411_3421del, p.Ser1138fs (NM_001407653.1, NM_001407663.1, NM_001407654.1 and 4 more transcripts); c.3348_3358del, p.Ser1117fs (NM_001407698.1, NM_001407724.1, NM_001407725.1 and 29 more transcripts); and 43 more; short protein forms S1164fs, S1117fs, S1093fs, S1122fs, S1138fs, S1161fs, S296fs, S868fs.
Identifiers: ClinVar variation 266377 (VCV000266377.6), dbSNP rs886040136, ClinGen allele CA10589745.

ClinVar aggregate classification (germline): Pathogenic. Review status: reviewed by expert panel (3 of 4 stars). 2 submissions from 2 submitters: Pathogenic (1). 1 of the submissions does not count toward it. Last evaluated 2016-10-18.

Conditions:
Breast-ovarian cancer, familial, susceptibility to, 1 (BROVCA1). Also called: BRCA1 Hereditary Breast and Ovarian Cancer; OVARIAN CANCER, SUSCEPTIBILITY TO. Identifiers: Orphanet 145, MedGen C2676676, MONDO:0011450, OMIM 604370. Disease mechanism: loss of function.

Submissions (2):

Evidence-based Network for the Interpretation of Germline Mutant Alleles (ENIGMA)
Classification: Pathogenic for Breast-ovarian cancer, familial, susceptibility to, 1. Last evaluated: 2016-10-18. Review status: reviewed by expert panel. Criteria: ENIGMA BRCA1/2 Classification Criteria (2015). Collection method: curation. Allele origin: germline.
Comment: Variant allele predicted to encode a truncated non-functional protein.

Consortium of Investigators of Modifiers of BRCA1/2 (CIMBA), c/o University of Cambridge
Classification: Pathogenic for Breast-ovarian cancer, familial, susceptibility to, 1. Last evaluated: 2015-10-02. Review status: criteria provided, single submitter. Criteria: CIMBA Mutation Classification guidelines May 2016. Collection method: clinical testing. Allele origin: germline. Not counted in ClinVar's aggregate classification.